The following is an entry in ClinVar:

ClinVar aggregate classification (germline): Likely pathogenic (1 of 4 stars; one submission).

Conditions:
Familial focal epilepsy with variable foci (FPEVF). Identifiers: Orphanet 98820, MedGen C1858477, MONDO:0020310.

Submission:

Labcorp Genetics (formerly Invitae), Labcorp
Classification: Likely pathogenic for Familial focal epilepsy with variable foci. Last evaluated: 2020-07-07. Review status: criteria provided, single submitter. Criteria: Invitae Variant Classification Sherloc (09022015). Collection method: clinical testing. Allele origin: germline.
Comment: Donor and acceptor splice site variants typically lead to a loss of protein function (PMID: 16199547), and loss-of-function variants in DEPDC5 are known to be pathogenic (PMID: 23542697, 23542701). In summary, the currently available evidence indicates that the variant is pathogenic, but additional data are needed to prove that conclusively. Therefore, this variant has been classified as Likely Pathogenic. Algorithms developed to predict the effect of sequence changes on RNA splicing suggest that this variant may disrupt the consensus splice site, but this prediction has not been confirmed by published transcriptional studies. This sequence change affects donor splice site in intron 41 of the DEPDC5 gene. It is expected to disrupt RNA splicing and likely results in an absent or disrupted protein product. This variant is not present in population databases (ExAC no frequency). This variant has not been reported in the literature in individuals with DEPDC5-related conditions.

Literature cited by the submitters: PubMed 16199547; PubMed 23542697; PubMed 23542701.

NM_001242896.3(DEPDC5):c.4436+1G>A

Gene: DEPDC5 (DEP domain containing 5, GATOR1 subcomplex subunit; plus strand). Cytogenetic location: 22q12.3.
Variant type: single nucleotide variant.
Coding change: c.4436+1G>A on transcript NM_001242896.3 (MANE Select); the canonical splice donor site of the intron after coding-DNA position 4436, G replaced by A.
Molecular consequence: splice donor variant.
Genome position (GRCh38, 1-based): chr22:31,901,803, G>A. VCF-style: chr22-31901803-G-A. GRCh37 (hg19) VCF-style: chr22-32297789-G-A.
Other names: c.4436+1G>A (NM_001364318.2); c.4409+1G>A (NM_001136029.4); c.4343+1G>A (NM_014662.6, NM_001369903.1); c.4370+1G>A (NM_001363852.2, NM_001364320.2); c.4202+1G>A (NM_001363854.2, NM_001364319.2); c.4136+1G>A (NM_001242897.2); c.4352+1G>A (NM_001369902.1, NM_001369901.1).
Identifiers: ClinVar variation 1066841 (VCV001066841.7), dbSNP rs2149419886, ClinGen allele CA411290561.